The following is an entry in ClinVar:

NM_000350.3(ABCA4):c.4540-8T>C

Gene: ABCA4 (ATP binding cassette subfamily A member 4; minus strand). Cytogenetic location: 1p22.1.
Variant type: single nucleotide variant.
Coding change: c.4540-8T>C on transcript NM_000350.3 (MANE Select); 8 bases into the intron before coding-DNA position 4540, T replaced by C.
Molecular consequence: intron variant.
Genome position (GRCh38, 1-based): chr1:94,025,056, A>G on the plus strand (T>C on the coding strand, the complement: ABCA4 is on the minus strand). VCF-style: chr1-94025056-A-G. GRCh37 (hg19) VCF-style: chr1-94490612-A-G.
Identifiers: ClinVar variation 2965465 (VCV002965465.4), dbSNP rs752607057, ClinGen allele CA524383784.

ClinVar aggregate classification (germline): Conflicting classifications of pathogenicity. Review status: criteria provided, conflicting classifications (1 of 4 stars). 2 submissions from 2 submitters: Uncertain significance (1); Likely benign (1). Last evaluated 2024-11-22.

gnomAD v4.1: 2 of 1,612,336 alleles (0.00012%); highest among the groups gnomAD compares: Admixed American, 0.0017%; no homozygotes.

Submissions (2):

Women's Health and Genetics/Laboratory Corporation of America, LabCorp
Classification: Uncertain significance. Last evaluated: 2024-11-22. Review status: criteria provided, single submitter. Criteria: LabCorp Variant Classification Summary - May 2015. Collection method: clinical testing. Allele origin: germline.
Comment: Variant summary: ABCA4 c.4540-8T>C alters a conserved nucleotide located close to a canonical splice site and therefore could affect mRNA splicing, leading to a significantly altered protein sequence. Consensus agreement among computation tools predict no significant impact on normal splicing. However, these predictions have yet to be confirmed by functional studies. The variant allele was found at a frequency of 4e-06 in 251478 control chromosomes. The available data on variant occurrences in the general population are insufficient to allow any conclusion about variant significance. c.4540-8T>C has been reported in the literature in cis with a pathogenic variant on one allele which was in trans with a pathogenic 2nd allele in at least 1 individual affected with Stargardt disease (example, Del Pozo_2020, Khan_2020). These report(s) do not provide unequivocal conclusions about association of the variant with ABCA4-related conditions. Co-occurrences with other pathogenic variant(s) have been reported (ABCA4 c.5882G>A, p.Gly1961Glu), providing supporting evidence for a benign role. To our knowledge, no experimental evidence demonstrating an impact on protein function has been reported. The following publications have been ascertained in the context of this evaluation (PMID: 32619608, 32307445). ClinVar contains an entry for this variant (Variation ID: 2965465). Based on the evidence outlined above, the variant was classified as uncertain significance.

Labcorp Genetics (formerly Invitae), Labcorp
Classification: Likely benign. Last evaluated: 2023-08-18. Review status: criteria provided, single submitter. Criteria: Invitae Variant Classification Sherloc (09022015). Collection method: clinical testing. Allele origin: germline.

Literature cited by the submitters: PubMed 32307445 (cited by Women's Health and Genetics/Laboratory Corporation of America, LabCorp); PubMed 32619608 (cited by Women's Health and Genetics/Laboratory Corporation of America, LabCorp).